The following is an entry in ClinVar:

NM_015295.3(SMCHD1):c.5507T>C (p.Ile1836Thr)

Gene: SMCHD1 (structural maintenance of chromosomes flexible hinge domain containing 1; plus strand). Cytogenetic location: 18p11.32.
Variant type: single nucleotide variant.
Coding change: c.5507T>C on transcript NM_015295.3 (MANE Select); coding-DNA position 5507, T replaced by C.
Protein change: p.Ile1836Thr; replaces isoleucine 1836 with threonine.
Molecular consequence: missense variant.
Genome position (GRCh38, 1-based): chr18:2,778,199, T>C. VCF-style: chr18-2778199-T-C. GRCh37 (hg19) VCF-style: chr18-2778197-T-C.
Other names: short protein forms I1836T.
Identifiers: ClinVar variation 2732022 (VCV002732022.3), dbSNP rs2510160120, ClinGen allele CA401686633.

ClinVar aggregate classification (germline): Uncertain significance (1 of 4 stars; one submission).

Conditions:
Facioscapulohumeral muscular dystrophy 2 (FSHD2). Also called: MUSCULAR DYSTROPHY, FACIOSCAPULOHUMERAL, TYPE 1B; FACIOSCAPULOHUMERAL MUSCULAR DYSTROPHY 2, DIGENIC; FSHD2, DIGENIC. Identifiers: Orphanet 269, MedGen C1834671, MONDO:0008031, OMIM 158901.

Submission:

Labcorp Genetics (formerly Invitae), Labcorp
Classification: Uncertain significance for Facioscapulohumeral muscular dystrophy 2. Last evaluated: 2023-08-16. Review status: criteria provided, single submitter. Criteria: Invitae Variant Classification Sherloc (09022015). Collection method: clinical testing. Allele origin: germline.
Comment: This sequence change replaces isoleucine, which is neutral and non-polar, with threonine, which is neutral and polar, at codon 1836 of the SMCHD1 protein (p.Ile1836Thr). This variant is not present in population databases (gnomAD no frequency). This variant has not been reported in the literature in individuals affected with SMCHD1-related conditions. Advanced modeling of protein sequence and biophysical properties (such as structural, functional, and spatial information, amino acid conservation, physicochemical variation, residue mobility, and thermodynamic stability) has been performed at Invitae for this missense variant, however the output from this modeling did not meet the statistical confidence thresholds required to predict the impact of this variant on SMCHD1 protein function. In summary, the available evidence is currently insufficient to determine the role of this variant in disease. Therefore, it has been classified as a Variant of Uncertain Significance.